The following is an entry in ClinVar:

NM_003982.4(SLC7A7):c.625+18T>C

Gene: SLC7A7 (solute carrier family 7 member 7; minus strand). Cytogenetic location: 14q11.2.
Variant type: single nucleotide variant.
Coding change: c.625+18T>C on transcript NM_003982.4 (MANE Select); 18 bases into the intron after coding-DNA position 625, T replaced by C.
Molecular consequence: intron variant.
Genome position (GRCh38, 1-based): chr14:22,779,908, A>G on the plus strand (T>C on the coding strand, the complement: SLC7A7 is on the minus strand). VCF-style: chr14-22779908-A-G. GRCh37 (hg19) VCF-style: chr14-23249117-A-G.
Other names: c.625+18T>C (NM_001126106.4, NM_001126105.3).
Identifiers: ClinVar variation 1583813 (VCV001583813.11), dbSNP rs974421997, ClinGen allele CA257728746.

ClinVar aggregate classification (germline): Likely benign. Review status: criteria provided, multiple submitters, no conflicts (2 of 4 stars). 4 submissions from 4 submitters: Likely benign (4). Last evaluated 2025-10-09.

Conditions:
Lysinuric protein intolerance (LPI). Identifiers: Orphanet 470, MedGen C0268647, MONDO:0009109, OMIM 222700.

Allele frequency attached by ClinVar (database versions not stated): gnomAD exomes below 0.00001; TOPMed below 0.00001.
gnomAD v4.1: 9 of 1,613,096 alleles (0.00056%); highest among the groups gnomAD compares: East Asian, 0.0022%; no homozygotes.

Submissions (4):

Labcorp Genetics (formerly Invitae), Labcorp
Classification: Likely benign for Lysinuric protein intolerance. Last evaluated: 2025-10-09. Review status: criteria provided, single submitter. Criteria: Invitae Variant Classification Sherloc (09022015). Collection method: clinical testing. Allele origin: germline.

Women's Health and Genetics/Laboratory Corporation of America, LabCorp
Classification: Likely benign. Last evaluated: 2023-12-07. Review status: criteria provided, single submitter. Criteria: LabCorp Variant Classification Summary - May 2015. Collection method: clinical testing. Allele origin: germline.
Comment: Variant summary: SLC7A7 c.625+18T>C alters a non-conserved nucleotide located at a position not widely known to affect splicing. Consensus agreement among computation tools predict no significant impact on normal splicing. However, these predictions have yet to be confirmed by functional studies. The variant was absent in 251370 control chromosomes. The available data on variant occurrences in the general population are insufficient to allow any conclusion about variant significance. To our knowledge, no occurrence of c.625+18T>C in individuals affected with Lysinuric Protein Intolerance and no experimental evidence demonstrating its impact on protein function have been reported. Two submitters have cited clinical-significance assessments for this variant to ClinVar after 2014. All submitters classified the variant as likely benign. Based on the evidence outlined above, the variant was classified as likely benign.

Blueprint Genetics
Classification: Likely benign. Last evaluated: 2023-03-14. Review status: criteria provided, single submitter. Criteria: ACMG Guidelines, 2015. Collection method: clinical testing. Allele origin: germline.

Fulgent Genetics
Classification: Likely benign for Lysinuric protein intolerance. Last evaluated: 2021-10-14. Review status: criteria provided, single submitter. Criteria: ACMG Guidelines, 2015. Collection method: clinical testing. Allele origin: unknown.